The following is an entry in ClinVar:

NM_006610.4(MASP2):c.38C>T (p.Ser13Leu)

Gene: MASP2 (MBL associated serine protease 2; minus strand). Cytogenetic location: 1p36.22.
Variant type: single nucleotide variant.
Coding change: c.38C>T on transcript NM_006610.4 (MANE Select); coding-DNA position 38, C replaced by T.
Protein change: p.Ser13Leu; replaces serine 13 with leucine.
Molecular consequence: missense variant.
Genome position (GRCh38, 1-based): chr1:11,047,087, G>A on the plus strand (C>T on the coding strand, the complement: MASP2 is on the minus strand). VCF-style: chr1-11047087-G-A. GRCh37 (hg19) VCF-style: chr1-11107144-G-A.
Other names: c.38C>T, p.Ser13Leu (NM_139208.3); short protein forms S13L.
Identifiers: ClinVar variation 716795 (VCV000716795.8), dbSNP rs72550893, ClinGen allele CA587257.
Genomic context (GRCh38, chr1:11,047,087, plus strand): 5'-GGGGATGCCAGGCGCCCGAACACAGGTTCAGGCCACTTCGGGCCCAAGGGGGTGGCCACC[G>A]AGCCACACAGAAGGCCCAGGAGGGTCAGCAGCCTATGGGCAGGGCAGGGGCGGTGAGGGC-3'
Protein context (NP_006601.2, residues 3-23): LLTLLGLLCG[Ser13Leu]VATPLGPKWP

ClinVar aggregate classification (germline): Benign/Likely benign. Review status: criteria provided, multiple submitters, no conflicts (2 of 4 stars). 5 submissions from 5 submitters: Benign (2); Likely benign (2). 1 of the submissions does not count toward it. Last evaluated 2026-04-08.

Conditions:
MASP2-related disorder. Also called: MASP2-related condition.

Allele frequency attached by ClinVar (database versions not stated): gnomAD exomes 0.00029 and 0.00069; ESP Exome Variant Server 0.00121; ExAC 0.00129; 1000 Genomes Project 30x 0.00234; gnomAD 0.00237 and 0.00244; 1000 Genomes Project 0.00240; TOPMed 0.00255.
gnomAD v4.1: 811 of 1,550,682 alleles (0.052%); highest among the groups gnomAD compares: African/African-American, 0.88%; 3 homozygotes.

Submissions (5):

Women's Health and Genetics/Laboratory Corporation of America, LabCorp
Classification: Likely benign. Last evaluated: 2026-04-08. Review status: criteria provided, single submitter. Criteria: LabCorp Variant Classification Summary - May 2015. Collection method: clinical testing. Allele origin: germline.
Comment: Variant summary: MASP2 c.38C>T (p.Ser13Leu) results in a non-conservative amino acid change in the encoded protein sequence. Algorithms developed to predict the effect of missense changes on protein structure and function are either unavailable or do not agree on the potential impact of this missense change. The variant allele was found at a frequency of 0.00069 in 152888 control chromosomes, predominantly at a frequency of 0.01 within the African or African-American subpopulation in the gnomAD database. The observed variant frequency within African or African-American control individuals in the gnomAD database exceeds the estimated maximal expected allele frequency for disease-causing variants in MASP2. To our knowledge, no occurrence of c.38C>T in individuals affected with MASP2-related conditions and no experimental evidence demonstrating its impact on protein function have been reported. ClinVar contains an entry for this variant (Variation ID: 716795). Based on the evidence outlined above, the variant was classified as likely benign.

Blueprint Genetics
Classification: Likely benign. Last evaluated: 2024-02-26. Review status: criteria provided, single submitter. Criteria: ACMG Guidelines, 2015. Collection method: clinical testing. Allele origin: germline.

Labcorp Genetics (formerly Invitae), Labcorp
Classification: Benign. Last evaluated: 2018-07-16. Review status: criteria provided, single submitter. Criteria: Invitae Variant Classification Sherloc (09022015). Collection method: clinical testing. Allele origin: germline.

Breakthrough Genomics
Classification: Benign. Review status: criteria provided, single submitter. Criteria: ACMG Guidelines, 2015. Collection method: not provided. Allele origin: germline. Inheritance: Autosomal recessive inheritance. Affected: yes.

PreventionGenetics, part of Exact Sciences
Classification: Likely benign for MASP2-related condition. Last evaluated: 2023-02-26. Review status: no assertion criteria provided. Collection method: clinical testing. Allele origin: germline. Not counted in ClinVar's aggregate classification.
Comment: This variant is classified as likely benign based on ACMG/AMP sequence variant interpretation guidelines (Richards et al. 2015 PMID: 25741868, with internal and published modifications).